The following is an entry in ClinVar:

ClinVar aggregate classification (germline): Uncertain significance (1 of 4 stars; one submission).

Conditions:
Inborn genetic diseases. Identifiers: MedGen C0950123, MeSH D030342.

Allele frequency attached by ClinVar (database versions not stated): gnomAD exomes below 0.00001.
gnomAD v4.1: 1 of 1,614,052 alleles (0.000062%); highest among the groups gnomAD compares: Non-Finnish European, 0.000085%; no homozygotes.

Submission:

Ambry Genetics
Classification: Uncertain significance for Inborn genetic diseases. Last evaluated: 2021-12-01. Review status: criteria provided, single submitter. Criteria: Ambry Variant Classification Scheme 2023. Collection method: clinical testing. Allele origin: germline.
Comment: The p.D1095G variant (also known as c.3284A>G), located in coding exon 8 of the SETX gene, results from an A to G substitution at nucleotide position 3284. The aspartic acid at codon 1095 is replaced by glycine, an amino acid with similar properties. This amino acid position is conserved. In addition, the in silico prediction for this alteration is inconclusive. Since supporting evidence is limited at this time, the clinical significance of this alteration remains unclear.

NM_015046.7(SETX):c.3284A>G (p.Asp1095Gly)

Gene: SETX (senataxin; minus strand). Cytogenetic location: 9q34.13.
Variant type: single nucleotide variant.
Coding change: c.3284A>G on transcript NM_015046.7 (MANE Select); coding-DNA position 3284, A replaced by G.
Protein change: p.Asp1095Gly; replaces aspartic acid 1095 with glycine.
Molecular consequence: missense variant.
Genome position (GRCh38, 1-based): chr9:132,328,314, T>C on the plus strand (A>G on the coding strand, the complement: SETX is on the minus strand). VCF-style: chr9-132328314-T-C. GRCh37 (hg19) VCF-style: chr9-135203701-T-C.
Other names: c.3284A>G, p.Asp1095Gly (NM_001351527.2, NM_001351528.2); short protein forms D1095G.
Identifiers: ClinVar variation 1729774 (VCV001729774.2), dbSNP rs2539111299, ClinGen allele CA375331075.